The following is an entry in ClinVar:

NM_001080414.4(CCDC88C):c.5197G>A (p.Val1733Ile)

Gene: CCDC88C (coiled-coil and HOOK domain protein 88C; minus strand). Cytogenetic location: 14q32.11.
Variant type: single nucleotide variant.
Coding change: c.5197G>A on transcript NM_001080414.4 (MANE Select); coding-DNA position 5197, G replaced by A.
Protein change: p.Val1733Ile; replaces valine 1733 with isoleucine.
Molecular consequence: missense variant.
Genome position (GRCh38, 1-based): chr14:91,273,515, C>T on the plus strand (G>A on the coding strand, the complement: CCDC88C is on the minus strand). VCF-style: chr14-91273515-C-T. GRCh37 (hg19) VCF-style: chr14-91739859-C-T.
Other names: c.5197G>A (NM_001080414.3); short protein forms V1733I.
Identifiers: ClinVar variation 2644453 (VCV002644453.24), dbSNP rs369187490, ClinGen allele CA7308712.

ClinVar aggregate classification (germline): Likely benign. Review status: criteria provided, multiple submitters, no conflicts (2 of 4 stars). 2 submissions from 2 submitters: Likely benign (2). Last evaluated 2025-09-25.

Conditions:
Inborn genetic diseases. Identifiers: MedGen C0950123, MeSH D030342.

Allele frequency attached by ClinVar (database versions not stated): gnomAD 0.00003; ExAC 0.00005; ESP Exome Variant Server 0.00008; gnomAD exomes 0.00009; 1000 Genomes Project 30x 0.00016; 1000 Genomes Project 0.00020.
gnomAD v4.1: 129 of 1,536,682 alleles (0.0084%); highest among the groups gnomAD compares: Non-Finnish European, 0.01%; no homozygotes.

Submissions (2):

Ambry Genetics
Classification: Likely benign for Inborn genetic diseases. Last evaluated: 2025-09-25. Review status: criteria provided, single submitter. Criteria: Ambry Variant Classification Scheme 2023. Collection method: clinical testing. Allele origin: germline.

CeGaT Center for Human Genetics Tuebingen
Classification: Likely benign. Last evaluated: 2023-03-01. Review status: criteria provided, single submitter. Criteria: CeGaT Center For Human Genetics Tuebingen Variant Classification Criteria Version 2. Collection method: clinical testing. Allele origin: germline. Affected: yes. Observed: 1 variant allele.
Comment: CCDC88C: BP4